The following is an entry in ClinVar:

NM_001271.4(CHD2):c.3894G>A (p.Pro1298=)

Gene: CHD2 (chromodomain helicase DNA binding protein 2; plus strand). Cytogenetic location: 15q26.1.
Variant type: single nucleotide variant.
Coding change: c.3894G>A on transcript NM_001271.4 (MANE Select); coding-DNA position 3894, G replaced by A.
Protein change: p.Pro1298=; no amino-acid change (proline 1298 retained).
Molecular consequence: synonymous variant.
Genome position (GRCh38, 1-based): chr15:92,998,507, G>A. VCF-style: chr15-92998507-G-A. GRCh37 (hg19) VCF-style: chr15-93541737-G-A.
Identifiers: ClinVar variation 680416 (VCV000680416.10), dbSNP rs754764864, ClinGen allele CA7748320.
Genomic context (GRCh38, chr15:92,998,507, plus strand): 5'-ACTAACCAGGATGTGGGTGGTGGCGGGTGCTTCTCTTCCTTTCTTGTTGAAGATTCTGCC[G>A]GTGGAGACAGATAAAAAGCCTCAGGGGAAGCAGCTACAGACCCGAGCGGATTACTTGTTG-3'
Protein context (NP_001262.3, residues 1288-1308): PELKLTDKIL[Pro1298=]VETDKKPQGK

ClinVar aggregate classification (germline): Likely benign. Review status: criteria provided, multiple submitters, no conflicts (2 of 4 stars). 2 submissions from 2 submitters: Likely benign (2). Last evaluated 2025-12-03.

Conditions:
Developmental and epileptic encephalopathy 94 (DEE94). Also called: Epileptic encephalopathy, childhood-onset; CHD2-Related Neurodevelopmental Disorders. Identifiers: Orphanet 1942, Orphanet 2382, MedGen C3809278, MONDO:0014150, OMIM 615369.

Allele frequency attached by ClinVar (database versions not stated): gnomAD exomes 0.00004; TOPMed 0.00002; ExAC 0.00004; gnomAD 0.00001.
gnomAD v4.1: 66 of 1,613,784 alleles (0.0041%); highest among the groups gnomAD compares: Non-Finnish European, 0.0048%; no homozygotes.

Submissions (2):

Labcorp Genetics (formerly Invitae), Labcorp
Classification: Likely benign for Developmental and epileptic encephalopathy 94. Last evaluated: 2025-12-03. Review status: criteria provided, single submitter. Criteria: Invitae Variant Classification Sherloc (09022015). Collection method: clinical testing. Allele origin: germline.

GeneDx
Classification: Likely benign. Last evaluated: 2018-03-16. Review status: criteria provided, single submitter. Criteria: GeneDx Variant Classification (06012015). Collection method: clinical testing. Allele origin: germline. Affected: yes.
Comment: This variant is considered likely benign or benign based on one or more of the following criteria: it is a conservative change, it occurs at a poorly conserved position in the protein, it is predicted to be benign by multiple in silico algorithms, and/or has population frequency not consistent with disease.